The following is an entry in ClinVar:

NM_002335.4(LRP5):c.2789C>T (p.Ser930Leu)

Gene: LRP5 (LDL receptor related protein 5; plus strand). Cytogenetic location: 11q13.2.
Variant type: single nucleotide variant.
Coding change: c.2789C>T on transcript NM_002335.4 (MANE Select); coding-DNA position 2789, C replaced by T.
Protein change: p.Ser930Leu; replaces serine 930 with leucine.
Molecular consequence: missense variant.
Genome position (GRCh38, 1-based): chr11:68,413,974, C>T. VCF-style: chr11-68413974-C-T. GRCh37 (hg19) VCF-style: chr11-68181442-C-T.
Other names: c.1046C>T, p.Ser349Leu (NM_001291902.2); short protein forms S349L, S930L.
Identifiers: ClinVar variation 1392609 (VCV001392609.6), dbSNP rs2153168233, ClinGen allele CA381618953.

ClinVar aggregate classification (germline): Uncertain significance (1 of 4 stars; one submission).

gnomAD v4.1: 6 of 1,606,402 alleles (0.00037%); highest among the groups gnomAD compares: Non-Finnish European, 0.00051%; no homozygotes.

Submission:

Labcorp Genetics (formerly Invitae), Labcorp
Classification: Uncertain significance. Last evaluated: 2024-10-23. Review status: criteria provided, single submitter. Criteria: Invitae Variant Classification Sherloc (09022015). Collection method: clinical testing. Allele origin: germline.
Comment: This sequence change replaces serine, which is neutral and polar, with leucine, which is neutral and non-polar, at codon 930 of the LRP5 protein (p.Ser930Leu). This variant is not present in population databases (gnomAD no frequency). This variant has not been reported in the literature in individuals affected with LRP5-related conditions. ClinVar contains an entry for this variant (Variation ID: 1392609). Invitae Evidence Modeling of protein sequence and biophysical properties (such as structural, functional, and spatial information, amino acid conservation, physicochemical variation, residue mobility, and thermodynamic stability) indicates that this missense variant is not expected to disrupt LRP5 protein function with a negative predictive value of 95%. In summary, the available evidence is currently insufficient to determine the role of this variant in disease. Therefore, it has been classified as a Variant of Uncertain Significance.